The following is an entry in ClinVar:

NM_001036.6(RYR3):c.9811C>T (p.Arg3271Cys)

Gene: RYR3 (ryanodine receptor 3; plus strand). Cytogenetic location: 15q14.
Variant type: single nucleotide variant.
Coding change: c.9811C>T on transcript NM_001036.6 (MANE Select); coding-DNA position 9811, C replaced by T.
Protein change: p.Arg3271Cys; replaces arginine 3271 with cysteine.
Molecular consequence: missense variant.
Genome position (GRCh38, 1-based): chr15:33,788,439, C>T. VCF-style: chr15-33788439-C-T. GRCh37 (hg19) VCF-style: chr15-34080640-C-T.
Other names: c.9811C>T, p.Arg3271Cys (NM_001243996.4); short protein forms R3271C.
Identifiers: ClinVar variation 1006811 (VCV001006811.8), dbSNP rs200295482, ClinGen allele CA7460613.

ClinVar aggregate classification (germline): Uncertain significance (1 of 4 stars; one submission).

Conditions:
Epileptic encephalopathy. Identifiers: MedGen C0543888, HP:0200134.

Allele frequency attached by ClinVar (database versions not stated): gnomAD 0.00001 and 0.00002; TOPMed 0.00001; gnomAD exomes 0.00003 and 0.00004; ExAC 0.00006.
gnomAD v4.1: 46 of 1,613,706 alleles (0.0029%); highest among the groups gnomAD compares: South Asian, 0.032%; no homozygotes.

Submission:

Labcorp Genetics (formerly Invitae), Labcorp
Classification: Uncertain significance for Epileptic encephalopathy. Last evaluated: 2020-07-10. Review status: criteria provided, single submitter. Criteria: Invitae Variant Classification Sherloc (09022015). Collection method: clinical testing. Allele origin: germline.
Comment: In summary, the available evidence is currently insufficient to determine the role of this variant in disease. Therefore, it has been classified as a Variant of Uncertain Significance. Algorithms developed to predict the effect of missense changes on protein structure and function are either unavailable or do not agree on the potential impact of this missense change (SIFT: "Deleterious"; PolyPhen-2: "Probably Damaging"; Align-GVGD: "Class C0"). This variant has not been reported in the literature in individuals with RYR3-related conditions. This variant is present in population databases (rs200295482, ExAC 0.04%). This sequence change replaces arginine with cysteine at codon 3271 of the RYR3 protein (p.Arg3271Cys). The arginine residue is highly conserved and there is a large physicochemical difference between arginine and cysteine.